The following is an entry in ClinVar:

NM_001943.5(DSG2):c.1422dup (p.Asp475fs)

Gene: DSG2 (desmoglein 2; plus strand). Cytogenetic location: 18q12.1.
Variant type: Duplication.
Coding change: c.1422dup on transcript NM_001943.5 (MANE Select); coding-DNA position 1422, one base duplicated (A; older notation c.1422dupA).
Protein change: p.Asp475fs; shifts the reading frame from aspartic acid 475.
Molecular consequence: frameshift variant.
Genome position (GRCh38, 1-based): chr18:31,535,411, A duplicated; the last of 2 consecutive A bases (chr18:31,535,410-31,535,411); duplicating either gives the same sequence. VCF-style (leftmost placement, unchanged base first): chr18-31535409-G-GA. GRCh37 (hg19) VCF-style: chr18-29115372-G-GA.
Other names: short protein forms D475fs.
Identifiers: ClinVar variation 1701333 (VCV001701333.31), dbSNP rs2144339967, ClinGen allele CA2580095589.

ClinVar aggregate classification (germline): Likely pathogenic (1 of 4 stars; one submission).

Submission:

CeGaT Center for Human Genetics Tuebingen
Classification: Likely pathogenic. Last evaluated: 2022-07-01. Review status: criteria provided, single submitter. Criteria: CeGaT Center For Human Genetics Tuebingen Variant Classification Criteria Version 2. Collection method: clinical testing. Allele origin: germline. Affected: yes. Observed: 1 variant allele.
Comment: DSG2: PVS1:Strong, PM2